The following is an entry in ClinVar:

ClinVar aggregate classification (germline): Uncertain significance (1 of 4 stars; one submission).

Conditions:
Periodic fever-infantile enterocolitis-autoinflammatory syndrome. Also called: Autoinflammation with infantile enterocolitis. Identifiers: Orphanet 436166, MedGen C4015067, MONDO:0014472, OMIM 616050.
Familial cold autoinflammatory syndrome 4 (FCAS4). Identifiers: Orphanet 47045, Orphanet 576349, MedGen C4015276, MONDO:0014498, OMIM 616115.

Submission:

Labcorp Genetics (formerly Invitae), Labcorp
Classification: Uncertain significance for Periodic fever-infantile enterocolitis-autoinflammatory syndrome; Familial cold autoinflammatory syndrome 4. Last evaluated: 2025-06-25. Review status: criteria provided, single submitter. Criteria: Invitae Variant Classification Sherloc (09022015). Collection method: clinical testing. Allele origin: germline.
Comment: This sequence change replaces leucine, which is neutral and non-polar, with isoleucine, which is neutral and non-polar, at codon 855 of the NLRC4 protein (p.Leu855Ile). This variant is not present in population databases (gnomAD no frequency). This variant has not been reported in the literature in individuals affected with NLRC4-related conditions. Invitae Evidence Modeling of protein sequence and biophysical properties (such as structural, functional, and spatial information, amino acid conservation, physicochemical variation, residue mobility, and thermodynamic stability) indicates that this missense variant is not expected to disrupt NLRC4 protein function with a negative predictive value of 80%. In summary, the available evidence is currently insufficient to determine the role of this variant in disease. Therefore, it has been classified as a Variant of Uncertain Significance.

NM_001199138.2(NLRC4):c.2563T>A (p.Leu855Ile)

Gene: NLRC4 (NLR family CARD domain containing 4; minus strand). Cytogenetic location: 2p22.3.
Variant type: single nucleotide variant.
Coding change: c.2563T>A on transcript NM_001199138.2 (MANE Select); coding-DNA position 2563, T replaced by A.
Protein change: p.Leu855Ile; replaces leucine 855 with isoleucine.
Molecular consequence: missense variant.
Genome position (GRCh38, 1-based): chr2:32,236,298, A>T on the plus strand (T>A on the coding strand, the complement: NLRC4 is on the minus strand). VCF-style: chr2-32236298-A-T. GRCh37 (hg19) VCF-style: chr2-32461367-A-T.
Other names: c.2563T>A, p.Leu855Ile (NM_001199139.2, NM_021209.5); c.568T>A, p.Leu190Ile (NM_001302504.2); short protein forms L855I, L190I.
Identifiers: ClinVar variation 4782961 (VCV004782961.1).